The following is an entry in ClinVar:

ClinVar aggregate classification (germline): Uncertain significance (1 of 4 stars; one submission).

Conditions:
Hereditary cancer-predisposing syndrome. Also called: Neoplastic Syndromes, Hereditary; Tumor predisposition; Hereditary Cancer Syndrome; Hereditary neoplastic syndrome. Identifiers: Orphanet 140162, MedGen C0027672, MeSH D009386, MONDO:0015356.

Allele frequency attached by ClinVar (database versions not stated): gnomAD exomes below 0.00001; ExAC 0.00001; gnomAD 0.00001.
gnomAD v4.1: 2 of 1,614,056 alleles (0.00012%); highest among the groups gnomAD compares: Non-Finnish European, 0.00017%; no homozygotes.

Submission:

Ambry Genetics
Classification: Uncertain significance for Hereditary cancer-predisposing syndrome. Last evaluated: 2024-11-30. Review status: criteria provided, single submitter. Criteria: Ambry Variant Classification Scheme 2023. Collection method: clinical testing. Allele origin: germline.
Comment: The p.Y251F variant (also known as c.752A>T), located in coding exon 7 of the EPCAM gene, results from an A to T substitution at nucleotide position 752. The tyrosine at codon 251 is replaced by phenylalanine, an amino acid with highly similar properties. This amino acid position is conserved. In addition, the in silico prediction for this alteration is inconclusive. Since supporting evidence is limited at this time, the clinical significance of this alteration remains unclear.

NM_002354.3(EPCAM):c.752A>T (p.Tyr251Phe)

Gene: EPCAM (epithelial cell adhesion molecule; plus strand). Cytogenetic location: 2p21.
Variant type: single nucleotide variant.
Coding change: c.752A>T on transcript NM_002354.3 (MANE Select); coding-DNA position 752, A replaced by T.
Protein change: p.Tyr251Phe; replaces tyrosine 251 with phenylalanine.
Molecular consequence: missense variant.
Genome position (GRCh38, 1-based): chr2:47,379,863, A>T. VCF-style: chr2-47379863-A-T. GRCh37 (hg19) VCF-style: chr2-47607002-A-T.
Other names: short protein forms Y251F.
Identifiers: ClinVar variation 1759364 (VCV001759364.3), dbSNP rs748065050, ClinGen allele CA1649148.